The following is an entry in ClinVar:

ClinVar aggregate classification (germline): Pathogenic. Review status: criteria provided, multiple submitters, no conflicts (2 of 4 stars). 6 submissions from 6 submitters: Pathogenic (5). 1 of the submissions does not count toward it. Last evaluated 2025-08-08.

Conditions:
Fanconi anemia complementation group A (FANCA). Also called: FANCA-Related Fanconi Anemia; Fanconi anemia, group A. Identifiers: Orphanet 84, MedGen C3469521, MONDO:0009215, OMIM 227650.
Fanconi anemia (FA). Also called: Fanconi's anemia. Identifiers: Orphanet 84, MedGen C0015625, MeSH D005199, MONDO:0019391.
FANCA-related disorders.

Allele frequency attached by ClinVar (database versions not stated): gnomAD exomes below 0.00001.
gnomAD v4.1: 1 of 1,614,204 alleles (0.000062%); highest among the groups gnomAD compares: East Asian, 0.0022%; no homozygotes.

Submissions (6):

Myriad Genetics, Inc.
Classification: Pathogenic for Fanconi anemia complementation group A. Last evaluated: 2025-08-08. Review status: criteria provided, single submitter. Criteria: Myriad Autosomal Dominant, Autosomal Recessive and X-Linked Classification Criteria (2023). Collection method: clinical testing. Allele origin: unknown.
Comment: NM_000135.2(FANCA):c.4168-2A>G is a variant in a canonical splice site classified as pathogenic in the context of Fanconi anemia complementation group A. c.4168-2A>G has been observed in cases with relevant disease (PMID: 28102861, 30792206, 29098742). Relevant functional assessments of this variant are not available in the literature. c.4168-2A>G has not been observed in referenced population frequency databases. In summary, NM_000135.2(FANCA):c.4168-2A>G is a variant in a canonical splice site that has been observed more frequently in cases with the relevant disease than in healthy populations. Please note: this variant was assessed in the context of healthy population screening.

Fulgent Genetics
Classification: Pathogenic for Fanconi anemia complementation group A. Last evaluated: 2024-06-12. Review status: criteria provided, single submitter. Criteria: ACMG Guidelines, 2015. Collection method: clinical testing. Allele origin: germline.

Baylor Genetics
Classification: Pathogenic for Fanconi anemia complementation group A. Last evaluated: 2023-10-27. Review status: criteria provided, single submitter. Criteria: ACMG Guidelines, 2015. Collection method: clinical testing. Allele origin: unknown.

Labcorp Genetics (formerly Invitae), Labcorp
Classification: Pathogenic for Fanconi anemia. Last evaluated: 2023-01-28. Review status: criteria provided, single submitter. Criteria: Invitae Variant Classification Sherloc (09022015). Collection method: clinical testing. Allele origin: germline.
Comment: This variant disrupts a region of the FANCA protein in which other variant(s) (p.Arg1400His) have been determined to be pathogenic (PMID: 17924555, 29098742; Invitae). This suggests that this is a clinically significant region of the protein, and that variants that disrupt it are likely to be disease-causing. This sequence change affects an acceptor splice site in intron 41 of the FANCA gene. RNA analysis indicates that disruption of this splice site induces altered splicing and likely results in a shortened protein product. This variant is not present in population databases (gnomAD no frequency). Disruption of this splice site has been observed in individuals with Fanconi anemia (PMID: 10090479, 28102861). ClinVar contains an entry for this variant (Variation ID: 864280). Studies have shown that disruption of this splice site results in skipping of exon 42, but is expected to preserve the integrity of the reading-frame (PMID: 10090479). For these reasons, this variant has been classified as Pathogenic.

Blueprint Genetics
Classification: Pathogenic for FANCA-related disorders. Last evaluated: 2020-07-22. Review status: criteria provided, single submitter. Criteria: ACMG Guidelines, 2015. Collection method: clinical testing. Allele origin: germline. Affected: yes. Observed: 1 variant allele.

Leiden Open Variation Database
Classification: Pathogenic for Fanconi anemia complementation group A. Last evaluated: 2020-02-28. Review status: no assertion criteria provided. Collection method: curation. Allele origin: germline. Affected: yes. Not counted in ClinVar's aggregate classification.
Comment: Curator: Arleen D. Auerbach. Submitter to LOVD: Arleen D. Auerbach.

Literature cited by the submitters: PubMed 28102861 (cited by Myriad Genetics, Inc. and Labcorp Genetics (formerly Invitae), Labcorp); PubMed 29098742 (cited by Myriad Genetics, Inc. and Labcorp Genetics (formerly Invitae), Labcorp); PubMed 30792206 (cited by Myriad Genetics, Inc.); PubMed 17924555 (cited by Labcorp Genetics (formerly Invitae), Labcorp); PubMed 10090479 (cited by Labcorp Genetics (formerly Invitae), Labcorp and Leiden Open Variation Database).

NM_000135.4(FANCA):c.4168-2A>G

Genes: ZNF276 (zinc finger protein 276; plus strand), FANCA (FA complementation group A; minus strand). Cytogenetic location: 16q24.3.
Variant type: single nucleotide variant.
Coding change: c.4168-2A>G on transcript NM_000135.4 (MANE Select); the canonical splice acceptor site of the intron before coding-DNA position 4168, A replaced by G.
Molecular consequence: splice acceptor variant. On other transcripts: 3 prime UTR variant (2), non-coding transcript variant (4).
Genome position (GRCh38, 1-based): chr16:89,738,976, T>C on the plus strand (A>G on the coding strand, the complement: FANCA is on the minus strand). VCF-style: chr16-89738976-T-C. GRCh37 (hg19) VCF-style: chr16-89805384-T-C.
Other names: c.*730T>C (NM_001113525.2, NM_152287.4); c.4172-2A>G (NM_001286167.3).
Identifiers: ClinVar variation 864280 (VCV000864280.15), dbSNP rs1220672299, ClinGen allele CA397483860.